The following is an entry in ClinVar:

NM_000059.4(BRCA2):c.5357del (p.Ser1786fs)

Gene: BRCA2 (BRCA2 DNA repair associated; plus strand). Cytogenetic location: 13q13.1.
Variant type: Deletion.
Coding change: c.5357del on transcript NM_000059.4 (MANE Select); coding-DNA position 5357, one base deleted (G; older notation c.5357delG).
Protein change: p.Ser1786fs; shifts the reading frame from serine 1786.
Molecular consequence: frameshift variant.
Genome position (GRCh38, 1-based): chr13:32,339,712, G deleted. VCF-style (leftmost placement, unchanged base first): chr13-32339711-AG-A. GRCh37 (hg19) VCF-style: chr13-32913848-AG-A.
Other names: 5585delG; c.5357delG (NM_000059.3).
Identifiers: ClinVar variation 231996 (VCV000231996.15), dbSNP rs876659482, ClinGen allele CA10579654.

ClinVar aggregate classification (germline): Pathogenic. Review status: reviewed by expert panel (3 of 4 stars). 6 submissions from 6 submitters: Pathogenic (1). 5 of the submissions do not count toward it. Last evaluated 2016-10-18.

Conditions:
Hereditary cancer-predisposing syndrome. Also called: Hereditary Cancer Syndrome; Neoplastic Syndromes, Hereditary; Tumor predisposition; Hereditary neoplastic syndrome. Identifiers: Orphanet 140162, MedGen C0027672, MeSH D009386, MONDO:0015356.
Breast-ovarian cancer, familial, susceptibility to, 2 (BROVCA2). Also called: BRCA2 Hereditary Breast and Ovarian Cancer. Identifiers: Orphanet 145, MedGen C2675520, MONDO:0012933, OMIM 612555. Disease mechanism: loss of function.
Hereditary breast ovarian cancer syndrome. Also called: Hereditary breast and/or ovarian cancer syndrome; BRCA1- and BRCA2-Associated Hereditary Breast and Ovarian Cancer; Hereditary breast and ovarian cancer syndrome (HBOC); Hereditary breast and ovarian cancer; Hereditary breast and ovarian cancer syndrome; Breast and ovarian cancer. Identifiers: Orphanet 145, MedGen C0677776, MeSH D061325, MONDO:0003582. Disease mechanism: loss of function.

Submissions (6):

Evidence-based Network for the Interpretation of Germline Mutant Alleles (ENIGMA)
Classification: Pathogenic for Breast-ovarian cancer, familial, susceptibility to, 2. Last evaluated: 2016-10-18. Review status: reviewed by expert panel. Criteria: ENIGMA BRCA1/2 Classification Criteria (2015). Collection method: curation. Allele origin: germline.
Comment: Variant allele predicted to encode a truncated non-functional protein.

All of Us Research Program, National Institutes of Health
Classification: Pathogenic for Breast-ovarian cancer, familial, susceptibility to, 2. Last evaluated: 2023-10-09. Review status: criteria provided, single submitter. Criteria: ACMG Guidelines, 2015. Collection method: clinical testing. Allele origin: germline. Inheritance: Autosomal dominant inheritance. Observed: 1 variant allele, 1 heterozygote. Not counted in ClinVar's aggregate classification.
Comment: This variant is predicted to result in loss of protein function through nonsense-mediated decay or protein truncation. Loss of function is an established mechanism of disease. This variant has been reported in multiple individuals with hereditary breast and ovarian cancer syndrome (PMID: 31853058, 29446198). This variant is absent from large population databases, including the Genome Aggregation Database.

This study involves interpretation of variants in research participants for the purpose of population health screening. Participant phenotype was not available at the time of variant classification. Additional details can be found in publication PMID: 35346344, PMCID: PMC8962531

Labcorp Genetics (formerly Invitae), Labcorp
Classification: Pathogenic for Hereditary breast ovarian cancer syndrome. Last evaluated: 2021-04-03. Review status: criteria provided, single submitter. Criteria: Invitae Variant Classification Sherloc (09022015). Collection method: clinical testing. Allele origin: germline. Not counted in ClinVar's aggregate classification.
Comment: This variant has not been reported in the literature in individuals with BRCA2-related conditions. ClinVar contains an entry for this variant (Variation ID: 231996). For these reasons, this variant has been classified as Pathogenic. This variant is not present in population databases (ExAC no frequency). This sequence change creates a premature translational stop signal (p.Ser1786Ilefs*5) in the BRCA2 gene. It is expected to result in an absent or disrupted protein product. Loss-of-function variants in BRCA2 are known to be pathogenic (PMID: 20104584).

Ambry Genetics
Classification: Pathogenic for Hereditary cancer-predisposing syndrome. Last evaluated: 2021-01-14. Review status: criteria provided, single submitter. Criteria: Ambry Variant Classification Scheme 2023. Collection method: clinical testing. Allele origin: germline. Not counted in ClinVar's aggregate classification.
Comment: The c.5357delG pathogenic mutation, located in coding exon 10 of the BRCA2 gene, results from a deletion of one nucleotide at nucleotide position 5357, causing a translational frameshift with a predicted alternate stop codon (p.S1786Ifs*5). This alteration was identified in a large, worldwide study of BRCA1/2 mutation positive families (Rebbeck TR et al. Hum Mutat, 2018 05;39:593-620). In addition to the clinical data presented in the literature, this alteration is expected to result in loss of function by premature protein truncation or nonsense-mediated mRNA decay. As such, this alteration is interpreted as a disease-causing mutation.

GeneDx
Classification: Pathogenic. Last evaluated: 2017-04-24. Review status: criteria provided, single submitter. Criteria: GeneDx Variant Classification (06012015). Collection method: clinical testing. Allele origin: germline. Affected: yes. Not counted in ClinVar's aggregate classification.
Comment: This deletion of one nucleotide in BRCA2 is denoted c.5357delG at the cDNA level and p.Ser1786IlefsX5 (S1786IfsX5) at the protein level. Using alternate nomenclature, this variant would be defined as BRCA2 5585delG. The normal sequence, with the base that is deleted in brackets, is ACTA[delG]TTTTTC. The deletion causes a frameshift which changes a Serine to an Isoleucine at codon 1786, and creates a premature stop codon at position 5 of the new reading frame. Although this variant has not, to our knowledge, been reported in the literature, it is predicted to cause loss of normal protein function through either protein truncation or nonsense-mediated mRNA decay. We consider this variant to be pathogenic.

Consortium of Investigators of Modifiers of BRCA1/2 (CIMBA), c/o University of Cambridge
Classification: Pathogenic for Breast-ovarian cancer, familial, susceptibility to, 2. Last evaluated: 2015-10-02. Review status: criteria provided, single submitter. Criteria: CIMBA Mutation Classification guidelines May 2016. Collection method: clinical testing. Allele origin: germline. Not counted in ClinVar's aggregate classification.

Literature cited by the submitters: PubMed 29446198 (cited by All of Us Research Program, National Institutes of Health and Ambry Genetics); PubMed 31853058 (cited by All of Us Research Program, National Institutes of Health); PubMed 20104584 (cited by Labcorp Genetics (formerly Invitae), Labcorp).